The following is an entry in ClinVar:

ClinVar aggregate classification (germline): Uncertain significance. Review status: criteria provided, multiple submitters, no conflicts (2 of 4 stars). 3 submissions from 3 submitters: Uncertain significance (3). Last evaluated 2025-09-15.

Conditions:
Hypopigmentation-punctate palmoplantar keratoderma syndrome. Also called: GUTTATE HYPOPIGMENTATION AND PUNCTATE PALMOPLANTAR KERATODERMA WITH OR WITHOUT ECTOPIC CALCIFICATION; Cole disease. Identifiers: Orphanet 324561, MedGen C3809781, MONDO:0014227, OMIM 615522.
Inherited obesity. Also called: Monogenic Obesity. Identifiers: Orphanet 77828, MedGen C4054476, MONDO:0019182, OMIM 601665.
Type 2 diabetes mellitus. Also called: Type II diabetes mellitus. Identifiers: MedGen C0011860, MeSH D003924, MONDO:0005148, OMIM 125853, HP:0005978.
Hypophosphatemic rickets, autosomal recessive, 2 (ARHR2). Identifiers: Orphanet 289176, MedGen C2750078, MONDO:0013219, OMIM 613312.
Arterial calcification, generalized, of infancy, 1 (GACI1). Also called: Idiopathic Infantile Arterial Calcification. Identifiers: Orphanet 51608, MedGen C4551985, MONDO:0008817, OMIM 208000.
Inborn genetic diseases. Identifiers: MedGen C0950123, MeSH D030342.

gnomAD v4.1: 16 of 1,613,978 alleles (0.00099%); highest among the groups gnomAD compares: East Asian, 0.0089%; no homozygotes.

Submissions (3):

Labcorp Genetics (formerly Invitae), Labcorp
Classification: Uncertain significance. Last evaluated: 2025-09-15. Review status: criteria provided, single submitter. Criteria: Invitae Variant Classification Sherloc (09022015). Collection method: clinical testing. Allele origin: germline.
Comment: This sequence change replaces arginine, which is basic and polar, with histidine, which is basic and polar, at codon 806 of the ENPP1 protein (p.Arg806His). This variant is present in population databases (rs774114873, gnomAD 0.03%). This variant has not been reported in the literature in individuals affected with ENPP1-related conditions. ClinVar contains an entry for this variant (Variation ID: 3508601). Invitae Evidence Modeling of protein sequence and biophysical properties (such as structural, functional, and spatial information, amino acid conservation, physicochemical variation, residue mobility, and thermodynamic stability) indicates that this missense variant is not expected to disrupt ENPP1 protein function with a negative predictive value of 80%. In summary, the available evidence is currently insufficient to determine the role of this variant in disease. Therefore, it has been classified as a Variant of Uncertain Significance.

Ambry Genetics
Classification: Uncertain significance for Inborn genetic diseases. Last evaluated: 2024-10-09. Review status: criteria provided, single submitter. Criteria: Ambry Variant Classification Scheme 2023. Collection method: clinical testing. Allele origin: germline.

Fulgent Genetics
Classification: Uncertain significance for Type 2 diabetes mellitus; Arterial calcification, generalized, of infancy, 1; Inherited obesity; Hypophosphatemic rickets, autosomal recessive, 2; Hypopigmentation-punctate palmoplantar keratoderma syndrome. Last evaluated: 2024-05-10. Review status: criteria provided, single submitter. Criteria: ACMG Guidelines, 2015. Collection method: clinical testing. Allele origin: germline.

NM_006208.3(ENPP1):c.2417G>A (p.Arg806His)

Gene: ENPP1 (ectonucleotide pyrophosphatase/phosphodiesterase 1; plus strand). Cytogenetic location: 6q23.2.
Variant type: single nucleotide variant.
Coding change: c.2417G>A on transcript NM_006208.3 (MANE Select); coding-DNA position 2417, G replaced by A.
Protein change: p.Arg806His; replaces arginine 806 with histidine.
Molecular consequence: missense variant.
Genome position (GRCh38, 1-based): chr6:131,885,036, G>A. VCF-style: chr6-131885036-G-A. GRCh37 (hg19) VCF-style: chr6-132206176-G-A.
Other names: short protein forms R806H.
Identifiers: ClinVar variation 3508601 (VCV003508601.3).